The following is an entry in ClinVar:

ClinVar aggregate classification (germline): Uncertain significance (1 of 4 stars; one submission).

Submission:

Ambry Genetics
Classification: Uncertain significance. Last evaluated: 2022-07-13. Review status: criteria provided, single submitter. Criteria: Ambry Variant Classification Scheme 2023. Collection method: clinical testing. Allele origin: germline.
Comment: The p.N64H variant (also known as c.190A>C), located in coding exon 3 of the BUB1 gene, results from an A to C substitution at nucleotide position 190. The asparagine at codon 64 is replaced by histidine, an amino acid with similar properties. This amino acid position is conserved. In addition, this alteration is predicted to be tolerated by in silico analysis. Since supporting evidence is limited at this time, the clinical significance of this alteration remains unclear.

NM_004336.5(BUB1):c.190A>C (p.Asn64His)

Gene: BUB1 (BUB1 mitotic checkpoint serine/threonine kinase; minus strand). Cytogenetic location: 2q13.
Variant type: single nucleotide variant.
Coding change: c.190A>C on transcript NM_004336.5 (MANE Select); coding-DNA position 190, A replaced by C.
Protein change: p.Asn64His; replaces asparagine 64 with histidine.
Molecular consequence: missense variant.
Genome position (GRCh38, 1-based): chr2:110,674,121, T>G on the plus strand (A>C on the coding strand, the complement: BUB1 is on the minus strand). VCF-style: chr2-110674121-T-G. GRCh37 (hg19) VCF-style: chr2-111431698-T-G.
Other names: c.130A>C, p.Asn44His (NM_001278616.2); c.190A>C, p.Asn64His (NM_001278617.2); short protein forms N64H, N44H.
Identifiers: ClinVar variation 1782467 (VCV001782467.2), dbSNP rs2468038604, ClinGen allele CA348221162.